The following is an entry in ClinVar:

NM_000548.5(TSC2):c.125C>G (p.Ala42Gly)

Gene: TSC2 (TSC complex subunit 2; plus strand). Cytogenetic location: 16p13.3.
Variant type: single nucleotide variant.
Coding change: c.125C>G on transcript NM_000548.5 (MANE Select); coding-DNA position 125, C replaced by G.
Protein change: p.Ala42Gly; replaces alanine 42 with glycine.
Molecular consequence: missense variant. On other transcripts: 5 prime UTR variant (19), non-coding transcript variant (5), intron variant (6).
Genome position (GRCh38, 1-based): chr16:2,048,740, C>G. VCF-style: chr16-2048740-C-G. GRCh37 (hg19) VCF-style: chr16-2098741-C-G.
Other names: c.125C>G, p.Ala42Gly (NM_001077183.3, NM_001114382.3, NM_001318827.2 and 13 more transcripts); c.-102C>G (NM_001318831.2, NM_001406682.1, NM_001406684.1 and 2 more transcripts); c.158C>G, p.Ala53Gly (NM_001318832.2); c.-692C>G (NM_001406680.1, NM_001406683.1, NM_001406687.1); c.-321C>G (NM_001406681.1); c.-1307C>G (NM_001406689.1, NM_001406690.1, NM_001406691.1 and 2 more transcripts); c.-1613C>G (NM_001406693.1); c.-1188C>G (NM_001406694.1, NM_001406695.1); and 4 more; short protein forms A42G, A53G.
Identifiers: ClinVar variation 2679345 (VCV002679345.19), dbSNP rs199562226, ClinGen allele CA394301721.
Genomic context (GRCh38, chr16:2,048,740, plus strand): 5'-GAACACCGAGGCCAAATCCCAGGTCTGCAGAGGGTAAACAGACGGAGTTTATCATCACCG[C>G]GGAAATACTGAGAGTGAGTGAGCTACCTGTGTCTTTGCTAGGCTAGAGGGAAATGCAGAG-3'
Protein context (NP_000539.2, residues 32-52): EGKQTEFIIT[Ala42Gly]EILRELSMEC

ClinVar aggregate classification (germline): Uncertain significance. Review status: criteria provided, multiple submitters, no conflicts (2 of 4 stars). 4 submissions from 4 submitters: Uncertain significance (4). Last evaluated 2024-10-01.

Conditions:
Hereditary cancer-predisposing syndrome. Also called: Hereditary neoplastic syndrome; Neoplastic Syndromes, Hereditary; Tumor predisposition; Hereditary Cancer Syndrome. Identifiers: Orphanet 140162, MedGen C0027672, MeSH D009386, MONDO:0015356.
Isolated focal cortical dysplasia type II (FCORD2). Also called: CORTICAL DYSPLASIA OF TAYLOR; Focal cortical dysplasia type II. Identifiers: Orphanet 268994, MedGen C1846385, MONDO:0011818, OMIM 607341, HP:0032051.
Tuberous sclerosis 2 (TSC2). Identifiers: Orphanet 805, MedGen C1860707, MONDO:0013199, OMIM 613254.

Submissions (4):

CeGaT Center for Human Genetics Tuebingen
Classification: Uncertain significance. Last evaluated: 2024-10-01. Review status: criteria provided, single submitter. Criteria: CeGaT Center For Human Genetics Tuebingen Variant Classification Criteria Version 2. Collection method: clinical testing. Allele origin: germline. Affected: yes. Observed: 1 variant allele.
Comment: TSC2: PM2, BP4

Ambry Genetics
Classification: Uncertain significance for Hereditary cancer-predisposing syndrome. Last evaluated: 2024-04-10. Review status: criteria provided, single submitter. Criteria: Ambry Variant Classification Scheme 2023. Collection method: clinical testing. Allele origin: germline.
Comment: The p.A42G variant (also known as c.125C>G), located in coding exon 1 of the TSC2 gene, results from a C to G substitution at nucleotide position 125. The alanine at codon 42 is replaced by glycine, an amino acid with similar properties. This amino acid position is conserved. In addition, this alteration is predicted to be tolerated by in silico analysis. Based on the available evidence, the clinical significance of this variant remains unclear.

Baylor Genetics
Classification: Uncertain significance for Isolated focal cortical dysplasia type II. Last evaluated: 2023-05-30. Review status: criteria provided, single submitter. Criteria: ACMG Guidelines, 2015. Collection method: clinical testing. Allele origin: unknown.

Labcorp Genetics (formerly Invitae), Labcorp
Classification: Uncertain significance for Tuberous sclerosis 2. Last evaluated: 2023-03-29. Review status: criteria provided, single submitter. Criteria: Invitae Variant Classification Sherloc (09022015). Collection method: clinical testing. Allele origin: germline.
Comment: In summary, the available evidence is currently insufficient to determine the role of this variant in disease. Therefore, it has been classified as a Variant of Uncertain Significance. Advanced modeling of protein sequence and biophysical properties (such as structural, functional, and spatial information, amino acid conservation, physicochemical variation, residue mobility, and thermodynamic stability) performed at Invitae indicates that this missense variant is not expected to disrupt TSC2 protein function. This variant has not been reported in the literature in individuals affected with TSC2-related conditions. This variant is not present in population databases (gnomAD no frequency). This sequence change replaces alanine, which is neutral and non-polar, with glycine, which is neutral and non-polar, at codon 42 of the TSC2 protein (p.Ala42Gly).